The following is an entry in ClinVar:

NM_000384.3(APOB):c.8037G>A (p.Met2679Ile)

Gene: APOB (apolipoprotein B; minus strand). Cytogenetic location: 2p24.1.
Variant type: single nucleotide variant.
Coding change: c.8037G>A on transcript NM_000384.3 (MANE Select); coding-DNA position 8037, G replaced by A.
Protein change: p.Met2679Ile; replaces methionine 2679 with isoleucine.
Molecular consequence: missense variant.
Genome position (GRCh38, 1-based): chr2:21,008,831, C>T on the plus strand (G>A on the coding strand, the complement: APOB is on the minus strand). VCF-style: chr2-21008831-C-T. GRCh37 (hg19) VCF-style: chr2-21231703-C-T.
Other names: short protein forms M2679I.
Identifiers: ClinVar variation 3415568 (VCV003415568.1).

ClinVar aggregate classification (germline): Uncertain significance (1 of 4 stars; one submission).

Conditions:
Cardiovascular phenotype. Identifiers: MedGen CN230736.

gnomAD v4.1: 12 of 1,614,026 alleles (0.00074%); highest among the groups gnomAD compares: Non-Finnish European, 0.001%; no homozygotes.

Submission:

Ambry Genetics
Classification: Uncertain significance for Cardiovascular phenotype. Last evaluated: 2024-07-11. Review status: criteria provided, single submitter. Criteria: Ambry Variant Classification Scheme 2023. Collection method: clinical testing. Allele origin: germline.
Comment: The p.M2679I variant (also known as c.8037G>A), located in coding exon 26 of the APOB gene, results from a G to A substitution at nucleotide position 8037. The methionine at codon 2679 is replaced by isoleucine, an amino acid with highly similar properties. This amino acid position is conserved. In addition, this alteration is predicted to be tolerated by in silico analysis. Based on the available evidence, the clinical significance of this variant remains unclear.